The following is an entry in ClinVar:

NM_138576.4(BCL11B):c.2448_2461dup (p.Glu821fs)

Gene: BCL11B (BCL11 transcription factor B; minus strand). Cytogenetic location: 14q32.2.
Variant type: Duplication.
Coding change: c.2448_2461dup on transcript NM_138576.4 (MANE Select); coding-DNA positions 2448 to 2461, 14 bases duplicated (GAGCCACACCGGCG).
Protein change: p.Glu821fs; shifts the reading frame from glutamic acid 821.
Molecular consequence: frameshift variant.
Genome position (GRCh38, 1-based): chr14:99,174,375-99,174,388, CGCCGGTGTGGCTC duplicated on the plus strand (GAGCCACACCGGCG on the coding strand, the reverse complement: BCL11B is on the minus strand); duplicating any 14 consecutive bases within chr14:99,174,375-99,174,396 gives the same sequence; the c. name uses the placement nearest the transcript's 3' end. VCF-style (leftmost placement, unchanged base first): chr14-99174374-T-TCGCCGGTGTGGCTC. GRCh37 (hg19) VCF-style: chr14-99640711-T-TCGCCGGTGTGGCTC.
Other names: c.2445_2458dup, p.Glu820fs (NM_001282237.2); c.2232_2245dup, p.Glu749fs (NM_001282238.2); c.2235_2248dup, p.Glu750fs (NM_022898.3); short protein forms E749fs, E750fs, E820fs, E821fs.
Identifiers: ClinVar variation 1292051 (VCV001292051.5), dbSNP rs2139753037, ClinGen allele CA2499222835.

ClinVar aggregate classification (germline): Pathogenic. Review status: criteria provided, multiple submitters, no conflicts (2 of 4 stars). 4 submissions from 4 submitters: Pathogenic (4). Last evaluated 2025-11-12.

Conditions:
Immunodeficiency 49 (IMD49). Also called: IMMUNODEFICIENCY 49, SEVERE COMBINED; SEVERE COMBINED IMMUNODEFICIENCY, T CELL-NEGATIVE, B CELL-POSITIVE, NK CELL-POSITIVE, WITH INTELLECTUAL DISABILITY, SPASTICITY, AND CRANIOFACIAL ABNORMALITIES; SCID, T CELL-NEGATIVE, B CELL-POSITIVE, NK CELL-POSITIVE, WITH INTELLECTUAL DISABILITY, SPASTICITY, AND CRANIOFACIAL ABNORMALITIES. Identifiers: MedGen C4310656, MONDO:0014981, OMIM 617237.
Intellectual developmental disorder with speech delay, dysmorphic facies, and t-cell abnormalities. Also called: BCL11B-related BAFopathy. Identifiers: Orphanet 662829, MedGen C4748152, MONDO:0060763, OMIM 618092.

Submissions (4):

Variantyx, Inc.
Classification: Pathogenic for Intellectual developmental disorder with speech delay, dysmorphic facies, and t-cell abnormalities. Last evaluated: 2025-11-12. Review status: criteria provided, single submitter. Criteria: Variantyx Assertion Criteria 2022. Collection method: clinical testing. Allele origin: de novo. Inheritance: Autosomal dominant inheritance. Affected: yes.
Comment: This is a frameshift variant in the BCL11B gene (OMIM: 606558). Pathogenic variants in this gene have been associated with autosomal dominant intellectual developmental disorder with speech delay, dysmorphic facies, and T-cell abnormalities. The alteration introduces a premature termination codon in exon 4 out of 4and is expected to result in loss of function, which is a known disease mechanism for BCL11B in this disorder (PMID: 36176959, 29985992, 38472338) (PVS1). This variant is absent from control populations (PM2). Based on the current evidence, this variant is classified as pathogenic for autosomal dominant intellectual developmental disorder with speech delay, dysmorphic facies, and T-cell abnormalities.

Victorian Clinical Genetics Services, Murdoch Childrens Research Institute
Classification: Pathogenic for Intellectual developmental disorder with speech delay, dysmorphic facies, and t-cell abnormalities. Last evaluated: 2022-09-02. Review status: criteria provided, single submitter. Criteria: ACMG Guidelines, 2015. Collection method: clinical testing. Allele origin: germline. Inheritance: Autosomal dominant inheritance. Affected: yes.
Comment: Based on the classification scheme VCGS_Germline_v1.3.4, this variant is classified as Pathogenic. Following criteria are met: 0105 - The mechanism of disease for this gene is not clearly established. (I) 0107 - This gene is associated with autosomal dominant disease. (I) 0205 - Variant is predicted to result in a truncated protein (premature termination codon is NOT located at least 54 nucleotides upstream of the final exon-exon junction) with less than 1/3 of the protein sequence affected. (SP) 0251 - This variant is heterozygous. (I) 0301 - Variant is absent from gnomAD (both v2 and v3). (SP) 0703 - Other variants comparable to the one identified in this case have moderate previous evidence for pathogenicity. Two downstream variants predicted to result in a truncated protein [c.2616_2617del (p.Met873fs); c.2472C>A (p.Tyr824Ter)] have been reported as likely pathogenic with limited phenotypic information provided (ClinVar). (SP) 0802 - This variant has moderate previous evidence of pathogenicity in unrelated individuals. This variant has two pathogenic reports in ClinVar, one of the reports specified that the variant was de novo in an individual with intellectual disability (ClinVar). (SP) 1007 - No published functional evidence has been identified for this variant. (I) 1102 - Strong phenotype match for this individual. (SP) 1208 - Inheritance information for this variant is not currently available in this individual. (I) Legend: (SP) - Supporting pathogenic, (I) - Information, (SB) - Supporting benign

Mendelics
Classification: Pathogenic for Immunodeficiency 49. Last evaluated: 2022-05-04. Review status: criteria provided, single submitter. Criteria: Mendelics Assertion Criteria 2019. Collection method: clinical testing. Allele origin: germline.

Shaanxi Institute for Pediatric Diseases, Xi'an Children's Hospital
Classification: Pathogenic for Intellectual developmental disorder with speech delay, dysmorphic facies, and t-cell abnormalities. Last evaluated: 2021-09-20. Review status: criteria provided, single submitter. Criteria: ACMG Guidelines, 2015. Collection method: clinical testing. Allele origin: de novo. Inheritance: Autosomal dominant inheritance. Affected: yes. Observed: 1 variant allele.
Comment: The c.2461_2462insGAGCCACACCGGCG（p.E821Gfs*28) variant in BCL11B has not been reported in the HGMD, ClinVar and literatures. This is a confirmed de novo variant and was absent in the gnomAD Database. Based on current evidence, this variant is defined as a pathogenic variant. In summary, the p.E821Gfs*28 variant meets our criteria to be classified as a pathogenic.

Literature cited by the submitters: PubMed 36176959 (cited by Variantyx, Inc.); PubMed 29985992 (cited by Variantyx, Inc.); PubMed 38472338 (cited by Variantyx, Inc.).